The following is an entry in ClinVar:

NM_003873.7(NRP1):c.1867G>A (p.Gly623Ser)

Gene: NRP1 (neuropilin 1; minus strand). Cytogenetic location: 10p11.22.
Variant type: single nucleotide variant.
Coding change: c.1867G>A on transcript NM_003873.7 (MANE Select); coding-DNA position 1867, G replaced by A.
Protein change: p.Gly623Ser; replaces glycine 623 with serine.
Molecular consequence: missense variant. On other transcripts: non-coding transcript variant (1).
Genome position (GRCh38, 1-based): chr10:33,197,707, C>T on the plus strand (G>A on the coding strand, the complement: NRP1 is on the minus strand). VCF-style: chr10-33197707-C-T. GRCh37 (hg19) VCF-style: chr10-33486635-C-T.
Other names: c.1867G>A, p.Gly623Ser (NM_001024628.3, NM_001330068.2); c.1762G>A, p.Gly588Ser (NM_001024629.3); c.1846G>A, p.Gly616Ser (NM_001244972.2, NM_001244973.2); short protein forms G616S, G588S, G623S.
Identifiers: ClinVar variation 4981159 (VCV004981159.1).

ClinVar aggregate classification (germline): Uncertain significance (1 of 4 stars; one submission).

Conditions:
NRP1-related disorder. Also called: NRP1-related condition.

gnomAD v4.1: 1 of 1,589,472 alleles (0.000063%); highest among the groups gnomAD compares: Middle Eastern, 0.017%; no homozygotes.

Submission:

PreventionGenetics, part of Exact Sciences
Classification: Uncertain significance for NRP1-related condition. Last evaluated: 2025-06-10. Review status: criteria provided, single submitter. Criteria: ACMG Guidelines, 2015. Collection method: clinical testing. Allele origin: germline.
Comment: The NRP1 c.1867G>A variant is predicted to result in the amino acid substitution p.Gly623Ser. To our knowledge, this variant has not been reported in the literature or in a large population database (gnomAD), indicating this variant is rare. At this time, the clinical significance of this variant is uncertain due to the absence of conclusive functional and genetic evidence.